The following is an entry in ClinVar:

ClinVar aggregate classification (germline): Uncertain significance (1 of 4 stars; one submission).

Allele frequency attached by ClinVar (database versions not stated): gnomAD exomes below 0.00001.
gnomAD v4.1: 1 of 1,614,208 alleles (0.000062%); highest among the groups gnomAD compares: Non-Finnish European, 0.000085%; no homozygotes.

Submission:

Ambry Genetics
Classification: Uncertain significance. Last evaluated: 2023-08-30. Review status: criteria provided, single submitter. Criteria: Ambry Variant Classification Scheme 2023. Collection method: clinical testing. Allele origin: germline.
Comment: The p.L562F variant (also known as c.1684C>T), located in coding exon 3 of the ALPK2 gene, results from a C to T substitution at nucleotide position 1684. The leucine at codon 562 is replaced by phenylalanine, an amino acid with highly similar properties. This amino acid position is conserved. In addition, this alteration is predicted to be tolerated by in silico analysis. Since supporting evidence is limited at this time, the clinical significance of this alteration remains unclear.

NM_052947.4(ALPK2):c.1684C>T (p.Leu562Phe)

Gene: ALPK2 (alpha kinase 2; minus strand). Cytogenetic location: 18q21.31.
Variant type: single nucleotide variant.
Coding change: c.1684C>T on transcript NM_052947.4 (MANE Select); coding-DNA position 1684, C replaced by T.
Protein change: p.Leu562Phe; replaces leucine 562 with phenylalanine.
Molecular consequence: missense variant.
Genome position (GRCh38, 1-based): chr18:58,579,092, G>A on the plus strand (C>T on the coding strand, the complement: ALPK2 is on the minus strand). VCF-style: chr18-58579092-G-A. GRCh37 (hg19) VCF-style: chr18-56246324-G-A.
Other names: short protein forms L562F.
Identifiers: ClinVar variation 2626031 (VCV002626031.2), dbSNP rs2518898692, ClinGen allele CA402560893.
Genomic context (GRCh38, chr18:58,579,092, plus strand): 5'-CTCTTTTATCACTCTGGGTTAGTGGGGGCTCAGCAGATTCTTTGGCAGAGCAGAGATGAA[G>A]GGTACCTTCTGTTGTACTTTCTCTCAGGTTGGCATTCGGCTTCTTGGGATTTCCCTTCAT-3'
Protein context (NP_443179.3, residues 552-572): NLRESTTEGT[Leu562Phe]HLCSAKESAE